The following continues an entry in ClinVar:

NM_002485.5(NBN):c.1142del (p.Pro381fs)

Gene: NBN. ClinVar aggregate classification (germline): Pathogenic. Pathogenic (12).

Submissions 12 to 16 of 16:

Women's Health and Genetics/Laboratory Corporation of America, LabCorp
Classification: Pathogenic for Microcephaly, normal intelligence and immunodeficiency. Last evaluated: 2020-01-14. Review status: criteria provided, single submitter. Criteria: LabCorp Variant Classification Summary - May 2015. Collection method: clinical testing. Allele origin: germline.
Comment: Variant summary: NBN c.1142delC (p.Pro381GlnfsX23) results in a premature termination codon, predicted to cause a truncation of the encoded protein or absence of the protein due to nonsense mediated decay, which are commonly known mechanisms for disease. The variant allele was found at a frequency of 2.4e-05 in 249986 control chromosomes (gnomAD). c.1142delC has been reported in the literature in multiple individuals affected with Nijmegen Breakage Syndrome (e.g. Bakshi_2003, Varon_1998) as well as in breast and/or ovarian cancer patients (Ramus_2015, Walsh_2011, Carter_2018). These data indicate that the variant is very likely to be associated with disease. No Nibrin protein expression was detected in a cell line derived from a compound heterozygous patient who harbored this variant and another truncating variant (Bakshi_2003). Seven ClinVar submitters (evaluation after 2014) cite the variant as pathogenic/likely pathogenic. Based on the evidence outlined above, the variant was classified as pathogenic.

PreventionGenetics, part of Exact Sciences
Classification: Pathogenic for NBN-related condition. Last evaluated: 2024-07-29. Review status: no assertion criteria provided. Collection method: clinical testing. Allele origin: germline. Not counted in ClinVar's aggregate classification.
Comment: The NBN c.1142delC variant is predicted to result in a frameshift and premature protein termination (p.Pro381Glnfs*23). This variant has been observed in the compound heterozygous state in an individual with Nijmegen breakage syndrome (Varon et al. 1998. PubMed ID: 9590180), it has also been observed in the heterozygous state in multiple individuals with breast and/or ovarian cancer (Table 2, Walsh et al. 2011. PubMed ID: 22006311; Table 2, Ramus et al. 2015. PubMed ID: 26315354; Table 4, Castéra et al. 2014. PubMed ID: 24549055; Table 2, Megid et al. 2022. PubMed ID: 36003761; Table 4e, Desmond et al. 2015. PubMed ID: 26270727) and in several individuals with genitourinary cancers (Table 6A, Yang et al. 2022. PubMed ID: 36451132; Table S2, Nguyen-Dumont et al. 2021. PubMed ID: 33804961). This variant is reported in 0.0053% of alleles in individuals of European (non-Finnish) descent in gnomAD and is interpreted as Pathogenic/Likely pathogenic in ClinVar. Frameshift variants in NBN are expected to be pathogenic. This variant is interpreted as pathogenic.

Counsyl
Classification: Likely pathogenic for Microcephaly, normal intelligence and immunodeficiency. Last evaluated: 2017-05-16. Review status: no assertion criteria provided. Collection method: clinical testing. Allele origin: unknown. Not counted in ClinVar's aggregate classification.

OMIM
Classification: Pathogenic for NIJMEGEN BREAKAGE SYNDROME. Last evaluated: 1998-05-01. Review status: no assertion criteria provided. Collection method: literature only. Allele origin: germline. Not counted in ClinVar's aggregate classification.

GeneReviews
No classification provided. Condition: Microcephaly, normal intelligence and immunodeficiency. Review status: no classification provided. Collection method: literature only. Allele origin: germline. Not counted in ClinVar's aggregate classification.

Literature cited by the submitters: PubMed 9590180 (cited by 5 submitters); PubMed 16415040 (cited by Labcorp Genetics (formerly Invitae), Labcorp); PubMed 10799436 (cited by Labcorp Genetics (formerly Invitae), Labcorp and Quest Diagnostics Nichols Institute San Juan Capistrano); PubMed 12621246 (cited by 6 submitters); PubMed 22006311 (cited by 4 submitters); PubMed 24549055 (cited by 4 submitters); PubMed 26315354 (cited by 4 submitters); PubMed 18593981 (cited by Ambry Genetics); PubMed 26270727 (cited by Ambry Genetics and Quest Diagnostics Nichols Institute San Juan Capistrano); PubMed 26689913 (cited by Ambry Genetics and Quest Diagnostics Nichols Institute San Juan Capistrano); PubMed 30322717 (cited by 3 submitters); PubMed 36346689 (cited by Quest Diagnostics Nichols Institute San Juan Capistrano); PubMed 36003761 (cited by Quest Diagnostics Nichols Institute San Juan Capistrano); PubMed 9590181 (cited by Quest Diagnostics Nichols Institute San Juan Capistrano); NCBI Bookshelf NBK1176 (cited by GeneReviews).